The following is an entry in ClinVar:

NM_001818.5(AKR1C4):c.467A>T (p.Asp156Val)

Gene: AKR1C4 (aldo-keto reductase family 1 member C4; plus strand). Cytogenetic location: 10p15.1.
Variant type: single nucleotide variant.
Coding change: c.467A>T on transcript NM_001818.5 (MANE Select); coding-DNA position 467, A replaced by T.
Protein change: p.Asp156Val; replaces aspartic acid 156 with valine.
Molecular consequence: missense variant.
Genome position (GRCh38, 1-based): chr10:5,206,294, A>T. VCF-style: chr10-5206294-A-T. GRCh37 (hg19) VCF-style: chr10-5248257-A-T.
Other names: c.467A>T (NM_001818.3); short protein forms D156V.
Identifiers: ClinVar variation 2145558 (VCV002145558.7), dbSNP rs139905834, ClinGen allele CA5391472.

ClinVar aggregate classification (germline): Uncertain significance. Review status: criteria provided, multiple submitters, no conflicts (2 of 4 stars). 3 submissions from 3 submitters: Uncertain significance (3). Last evaluated 2026-06-25.

Conditions:
AKR1C4-related disorder. Also called: AKR1C4-related condition.

Allele frequency attached by ClinVar (database versions not stated): 1000 Genomes Project 30x 0.00031; 1000 Genomes Project 0.00040.
gnomAD v4.1: 109 of 1,614,092 alleles (0.0068%); highest among the groups gnomAD compares: East Asian, 0.13%; no homozygotes.

Submissions (3):

PreventionGenetics, part of Exact Sciences
Classification: Uncertain significance for AKR1C4-related condition. Last evaluated: 2026-06-25. Review status: criteria provided, single submitter. Criteria: ACMG Guidelines, 2015. Collection method: clinical testing. Allele origin: germline.
Comment: The AKR1C4 c.467A>T variant is predicted to result in the amino acid substitution p.Asp156Val. This variant was previously reported in a patient with type 2 diabetes mellitus and 17a-hydroxylase/17,20-lyase deficiency; however, a second potentially causative variant was not identified in this patient (Zhang and Yuan. 2023. PubMed ID: 38206738). Additionally, this variant is reported in 0.095% of alleles in individuals of East Asian descent in gnomAD, which may be too frequent to be a primary cause of disease. Although we suspect that this variant may be benign, the clinical significance of this variant is currently classified as uncertain due to the absence of conclusive functional and genetic evidence.

Ambry Genetics
Classification: Uncertain significance. Last evaluated: 2023-07-25. Review status: criteria provided, single submitter. Criteria: Ambry Variant Classification Scheme 2023. Collection method: clinical testing. Allele origin: germline.

Labcorp Genetics (formerly Invitae), Labcorp
Classification: Uncertain significance. Last evaluated: 2023-02-04. Review status: criteria provided, single submitter. Criteria: Invitae Variant Classification Sherloc (09022015). Collection method: clinical testing. Allele origin: germline.
Comment: In summary, the available evidence is currently insufficient to determine the role of this variant in disease. Therefore, it has been classified as a Variant of Uncertain Significance. This variant has not been reported in the literature in individuals affected with AKR1C4-related conditions. This sequence change replaces aspartic acid, which is acidic and polar, with valine, which is neutral and non-polar, at codon 156 of the AKR1C4 protein (p.Asp156Val). This variant is present in population databases (rs139905834, gnomAD 0.09%), and has an allele count higher than expected for a pathogenic variant. Advanced modeling of protein sequence and biophysical properties (such as structural, functional, and spatial information, amino acid conservation, physicochemical variation, residue mobility, and thermodynamic stability) performed at Invitae indicates that this missense variant is expected to disrupt AKR1C4 protein function.